The following is an entry in ClinVar:

NM_002386.4(MC1R):c.-114G>A

Gene: MC1R (melanocortin 1 receptor; plus strand). Cytogenetic location: 16q24.3.
Variant type: single nucleotide variant.
Coding change: c.-114G>A on transcript NM_002386.4 (MANE Select); 114 bases upstream of the start codon, G replaced by A.
Molecular consequence: 5 prime UTR variant.
Genome position (GRCh38, 1-based): chr16:89,919,145, G>A. VCF-style: chr16-89919145-G-A. GRCh37 (hg19) VCF-style: chr16-89985553-G-A.
Identifiers: ClinVar variation 321412 (VCV000321412.6), dbSNP rs148003355, ClinGen allele CA10648428.
Genomic context (GRCh38, chr16:89,919,145, plus strand): 5'-AGCCAGGGAGAGGGTGTGAGGGCAGATCTGGGGGTGCCCAGATGGAAGGAGGCAGGCATG[G>A]GGGACACCCAAGGCCCCCTGGCAGCACCATGAACTAAGCAGGACACCTGGAGGGGAAGAA-3'

ClinVar aggregate classification (germline): Benign. Review status: criteria provided, multiple submitters, no conflicts (2 of 4 stars). 2 submissions from 2 submitters: Benign (2). Last evaluated 2018-01-13.

Conditions:
Melanoma, cutaneous malignant, susceptibility to, 5. Also called: Cutaneous malignant melanoma 5. Identifiers: Orphanet 618, MedGen C2751295, MONDO:0013133, OMIM 613099.

Allele frequency attached by ClinVar (database versions not stated): 1000 Genomes Project 30x 0.00031; gnomAD exomes 0.00096; gnomAD 0.00104 and 0.00103; TOPMed 0.00116; 1000 Genomes Project 0.00040.
gnomAD v4.1: 752 of 723,420 alleles (0.1%); highest among the groups gnomAD compares: Middle Eastern, 1.1%; 4 homozygotes.

Submissions (2):

Illumina Laboratory Services, Illumina
Classification: Benign for Melanoma, cutaneous malignant, susceptibility to, 5. Last evaluated: 2018-01-13. Review status: criteria provided, single submitter. Criteria: ICSL Variant Classification Criteria 13 December 2019. Collection method: clinical testing. Allele origin: germline.
Comment: This variant was observed in the ICSL laboratory as part of a predisposition screen in an ostensibly healthy population. It had not been previously curated by ICSL or reported in the Human Gene Mutation Database (HGMD: prior to June 1st, 2018), and was therefore a candidate for classification through an automated scoring system. Utilizing variant allele frequency, disease prevalence and penetrance estimates, and inheritance mode, an automated score was calculated to assess if this variant is too frequent to cause the disease. Based on the score and internal cut-off values, a variant classified as benign is not then subjected to further curation. The score for this variant resulted in a classification of benign for this disease.

Breakthrough Genomics
Classification: Benign. Review status: criteria provided, single submitter. Criteria: ACMG Guidelines, 2015. Collection method: not provided. Allele origin: germline. Inheritance: Autosomal recessive inheritance. Affected: yes.